The following is an entry in ClinVar:

NM_001077653.2(TBX20):c.1254G>T (p.Met418Ile)

Gene: TBX20 (T-box transcription factor 20; minus strand). Cytogenetic location: 7p14.2.
Variant type: single nucleotide variant.
Coding change: c.1254G>T on transcript NM_001077653.2 (MANE Select); coding-DNA position 1254, G replaced by T.
Protein change: p.Met418Ile; replaces methionine 418 with isoleucine.
Molecular consequence: missense variant.
Genome position (GRCh38, 1-based): chr7:35,202,520, C>A on the plus strand (G>T on the coding strand, the complement: TBX20 is on the minus strand). VCF-style: chr7-35202520-C-A. GRCh37 (hg19) VCF-style: chr7-35242132-C-A.
Other names: short protein forms M418I.
Identifiers: ClinVar variation 1468209 (VCV001468209.6), dbSNP rs775097565, ClinGen allele CA367262893.

ClinVar aggregate classification (germline): Uncertain significance (1 of 4 stars; one submission).

Submission:

Labcorp Genetics (formerly Invitae), Labcorp
Classification: Uncertain significance. Last evaluated: 2024-02-05. Review status: criteria provided, single submitter. Criteria: Invitae Variant Classification Sherloc (09022015). Collection method: clinical testing. Allele origin: germline.
Comment: This sequence change replaces methionine, which is neutral and non-polar, with isoleucine, which is neutral and non-polar, at codon 418 of the TBX20 protein (p.Met418Ile). This variant is not present in population databases (gnomAD no frequency). This variant has not been reported in the literature in individuals affected with TBX20-related conditions. ClinVar contains an entry for this variant (Variation ID: 1468209). An algorithm developed to predict the effect of missense changes on protein structure and function (PolyPhen-2) suggests that this variant is likely to be tolerated. In summary, the available evidence is currently insufficient to determine the role of this variant in disease. Therefore, it has been classified as a Variant of Uncertain Significance.